The following is an entry in ClinVar:

NM_025114.4(CEP290):c.2273T>C (p.Val758Ala)

Gene: CEP290 (centrosomal protein 290; minus strand). Cytogenetic location: 12q21.32.
Variant type: single nucleotide variant.
Coding change: c.2273T>C on transcript NM_025114.4 (MANE Select); coding-DNA position 2273, T replaced by C.
Protein change: p.Val758Ala; replaces valine 758 with alanine.
Molecular consequence: missense variant.
Genome position (GRCh38, 1-based): chr12:88,111,296, A>G on the plus strand (T>C on the coding strand, the complement: CEP290 is on the minus strand). VCF-style: chr12-88111296-A-G. GRCh37 (hg19) VCF-style: chr12-88505073-A-G.
Other names: c.2273T>C (NM_025114.3); short protein forms V758A.
Identifiers: ClinVar variation 1015064 (VCV001015064.15), dbSNP rs369868981, ClinGen allele CA6712358.

ClinVar aggregate classification (germline): Uncertain significance. Review status: criteria provided, multiple submitters, no conflicts (2 of 4 stars). 9 submissions from 9 submitters: Uncertain significance (6). 3 of the submissions do not count toward it. Last evaluated 2025-03-21.

Conditions:
Inborn genetic diseases. Identifiers: MedGen C0950123, MeSH D030342.
Joubert syndrome. Also called: Familial aplasia of the vermis; JOUBERT-BOLTSHAUSER SYNDROME. Identifiers: Orphanet 475, MedGen C5979921, MONDO:0018772.
Nephronophthisis. Also called: Juvenile Nephronophthisis. Identifiers: Orphanet 655, MedGen C0687120, MONDO:0019005, HP:0000090.
Meckel-Gruber syndrome. Also called: DYSENCEPHALIA SPLANCHNOCYSTICA; GRUBER SYNDROME; Dysencephalia splachnocystica. Identifiers: Orphanet 564, MedGen C0265215, MONDO:0018921.
Bardet-Biedl syndrome 14 (BBS14). Identifiers: Orphanet 110, MedGen C2673874, MONDO:0014442, OMIM 615991.
Meckel syndrome, type 4 (MKS4). Also called: MECKEL-GRUBER SYNDROME, TYPE 4. Identifiers: Orphanet 564, MedGen C1970161, MONDO:0012626, OMIM 611134.
Senior-Loken syndrome 6 (SLSN6). Identifiers: Orphanet 3156, MedGen C1857779, MONDO:0012433, OMIM 610189.
Leber congenital amaurosis 10 (LCA10). Identifiers: Orphanet 65, MedGen C1857821, MONDO:0012723, OMIM 611755.
Joubert syndrome 5 (JBTS5). Identifiers: Orphanet 2318, MedGen C1857780, MONDO:0012432, OMIM 610188.
CEP290-related disorder. Also called: CEP290-related disorders; CEP290-related condition. Identifiers: MedGen CN239314.
Leber congenital amaurosis (LCA). Also called: Leber's amaurosis. Identifiers: Orphanet 65, MedGen C0339527, MeSH D057130, MONDO:0018998.

Allele frequency attached by ClinVar (database versions not stated): gnomAD 0.00002 and 0.00003; gnomAD exomes 0.00003 and 0.00004; TOPMed 0.00005; ESP Exome Variant Server 0.00008; ExAC 0.00011.
gnomAD v4.1: 48 of 1,561,842 alleles (0.0031%); highest among the groups gnomAD compares: Non-Finnish European, 0.0039%; no homozygotes.

Submissions (9):

GeneDx
Classification: Uncertain significance. Last evaluated: 2025-03-21. Review status: criteria provided, single submitter. Criteria: GeneDx Variant Classification Process June 2021. Collection method: clinical testing. Allele origin: germline.
Comment: Not observed at significant frequency in large population cohorts (gnomAD); In silico analysis indicates that this missense variant does not alter protein structure/function; Has not been previously published as pathogenic or benign to our knowledge

Ambry Genetics
Classification: Uncertain significance for Inborn genetic diseases. Last evaluated: 2025-03-07. Review status: criteria provided, single submitter. Criteria: Ambry Variant Classification Scheme 2023. Collection method: clinical testing. Allele origin: germline.

PreventionGenetics, part of Exact Sciences
Classification: Uncertain significance for CEP290-related condition. Last evaluated: 2025-02-28. Review status: criteria provided, single submitter. Criteria: ACMG Guidelines, 2015. Collection method: clinical testing. Allele origin: germline.
Comment: The CEP290 c.2273T>C variant is predicted to result in the amino acid substitution p.Val758Ala. To our knowledge, this variant has not been reported in the literature. This variant is reported in 0.0076% of alleles in individuals of European (non-Finnish) descent in gnomAD. At this time, the clinical significance of this variant is uncertain due to the absence of conclusive functional and genetic evidence.

Blueprint Genetics
Classification: Uncertain significance. Last evaluated: 2024-09-03. Review status: criteria provided, single submitter. Criteria: ACMG Guidelines, 2015. Collection method: clinical testing. Allele origin: germline.

Labcorp Genetics (formerly Invitae), Labcorp
Classification: Uncertain significance for Joubert syndrome; Meckel-Gruber syndrome; Nephronophthisis. Last evaluated: 2022-08-09. Review status: criteria provided, single submitter. Criteria: Invitae Variant Classification Sherloc (09022015). Collection method: clinical testing. Allele origin: germline.
Comment: This sequence change replaces valine, which is neutral and non-polar, with alanine, which is neutral and non-polar, at codon 758 of the CEP290 protein (p.Val758Ala). This variant is present in population databases (rs369868981, gnomAD 0.006%). This variant has not been reported in the literature in individuals affected with CEP290-related conditions. ClinVar contains an entry for this variant (Variation ID: 1015064). Algorithms developed to predict the effect of missense changes on protein structure and function are either unavailable or do not agree on the potential impact of this missense change (SIFT: "Deleterious"; PolyPhen-2: "Benign"; Align-GVGD: "Class C0"). In summary, the available evidence is currently insufficient to determine the role of this variant in disease. Therefore, it has been classified as a Variant of Uncertain Significance.

Fulgent Genetics
Classification: Uncertain significance for Joubert syndrome 5; Senior-Loken syndrome 6; Meckel syndrome, type 4; Leber congenital amaurosis 10; Bardet-Biedl syndrome 14. Last evaluated: 2022-05-14. Review status: criteria provided, single submitter. Criteria: ACMG Guidelines, 2015. Collection method: clinical testing. Allele origin: unknown.

Natera, Inc.
Classification: Uncertain significance for Leber congenital amaurosis. Last evaluated: 2020-04-21. Review status: no assertion criteria provided. Collection method: clinical testing. Allele origin: germline. Not counted in ClinVar's aggregate classification.

Clinical Genetics DNA and cytogenetics Diagnostics Lab, Erasmus MC, Erasmus Medical Center
Classification: Uncertain significance. Review status: no assertion criteria provided. Collection method: clinical testing. Allele origin: germline. Affected: yes. Study: VKGL Data-share Consensus. Not counted in ClinVar's aggregate classification.

Clinical Genetics, Academic Medical Center
Classification: Uncertain significance. Review status: no assertion criteria provided. Collection method: clinical testing. Allele origin: germline. Affected: yes. Study: VKGL Data-share Consensus. Not counted in ClinVar's aggregate classification.